The following is an entry in ClinVar:

NM_005591.4(MRE11):c.188A>G (p.His63Arg)

Gene: MRE11 (MRE11 double strand break repair nuclease; minus strand). Cytogenetic location: 11q21.
Variant type: single nucleotide variant.
Coding change: c.188A>G on transcript NM_005591.4 (MANE Select); coding-DNA position 188, A replaced by G.
Protein change: p.His63Arg; replaces histidine 63 with arginine.
Molecular consequence: missense variant.
Genome position (GRCh38, 1-based): chr11:94,486,050, T>C on the plus strand (A>G on the coding strand, the complement: MRE11 is on the minus strand). VCF-style: chr11-94486050-T-C. GRCh37 (hg19) VCF-style: chr11-94219216-T-C.
Other names: c.188A>G, p.His63Arg (NM_001330347.2, NM_005590.4); short protein forms H63R.
Identifiers: ClinVar variation 187248 (VCV000187248.5), dbSNP rs786203584, ClinGen allele CA197145.

ClinVar aggregate classification (germline): Uncertain significance (1 of 4 stars; one submission).

Conditions:
Hereditary cancer-predisposing syndrome. Also called: Neoplastic Syndromes, Hereditary; Tumor predisposition; Hereditary Cancer Syndrome; Hereditary neoplastic syndrome. Identifiers: Orphanet 140162, MedGen C0027672, MeSH D009386, MONDO:0015356.

Submission:

Ambry Genetics
Classification: Uncertain significance for Hereditary cancer-predisposing syndrome. Last evaluated: 2019-06-18. Review status: criteria provided, single submitter. Criteria: Ambry Variant Classification Scheme 2023. Collection method: clinical testing. Allele origin: germline.
Comment: The p.H63R variant (also known as c.188A>G), located in coding exon 3 of the MRE11A gene, results from an A to G substitution at nucleotide position 188. The histidine at codon 63 is replaced by arginine, an amino acid with highly similar properties. This amino acid position is highly conserved in available vertebrate species. In addition, this alteration is predicted to be deleterious by in silico analysis. Since supporting evidence is limited at this time, the clinical significance of this alteration remains unclear.